The following is an entry in ClinVar:

ClinVar aggregate classification (germline): Uncertain significance (1 of 4 stars; one submission).

gnomAD v4.1: 5 of 1,614,212 alleles (0.00031%); highest among the groups gnomAD compares: South Asian, 0.0022%; no homozygotes.

Submission:

Labcorp Genetics (formerly Invitae), Labcorp
Classification: Uncertain significance. Last evaluated: 2025-02-19. Review status: criteria provided, single submitter. Criteria: Invitae Variant Classification Sherloc (09022015). Collection method: clinical testing. Allele origin: germline.
Comment: This sequence change replaces asparagine, which is neutral and polar, with serine, which is neutral and polar, at codon 979 of the TOPORS protein (p.Asn979Ser). This variant is present in population databases (no rsID available, gnomAD 0.003%). This variant has not been reported in the literature in individuals affected with TOPORS-related conditions. An algorithm developed to predict the effect of missense changes on protein structure and function outputs the following: PolyPhen-2: "Not Available". The serine amino acid residue is found in multiple mammalian species, which suggests that this missense change does not adversely affect protein function. In summary, the available evidence is currently insufficient to determine the role of this variant in disease. Therefore, it has been classified as a Variant of Uncertain Significance.

NM_005802.5(TOPORS):c.2936A>G (p.Asn979Ser)

Gene: TOPORS (TOP1 binding arginine/serine rich protein, E3 ubiquitin ligase; minus strand). Cytogenetic location: 9p21.1.
Variant type: single nucleotide variant.
Coding change: c.2936A>G on transcript NM_005802.5 (MANE Select); coding-DNA position 2936, A replaced by G.
Protein change: p.Asn979Ser; replaces asparagine 979 with serine.
Molecular consequence: missense variant.
Genome position (GRCh38, 1-based): chr9:32,541,589, T>C on the plus strand (A>G on the coding strand, the complement: TOPORS is on the minus strand). VCF-style: chr9-32541589-T-C. GRCh37 (hg19) VCF-style: chr9-32541587-T-C.
Other names: c.2741A>G, p.Asn914Ser (NM_001195622.2); short protein forms N979S, N914S.
Identifiers: ClinVar variation 3673164 (VCV003673164.2).